The following is an entry in ClinVar:

NM_198060.4(NRAP):c.2963A>C (p.Gln988Pro)

Gene: NRAP (nebulin related anchoring protein; minus strand). Cytogenetic location: 10q25.3.
Variant type: single nucleotide variant.
Coding change: c.2963A>C on transcript NM_198060.4 (MANE Select); coding-DNA position 2963, A replaced by C.
Protein change: p.Gln988Pro; replaces glutamine 988 with proline.
Molecular consequence: missense variant.
Genome position (GRCh38, 1-based): chr10:113,617,465, T>G on the plus strand (A>C on the coding strand, the complement: NRAP is on the minus strand). VCF-style: chr10-113617465-T-G. GRCh37 (hg19) VCF-style: chr10-115377224-T-G.
Other names: c.2963A>C, p.Gln988Pro (NM_001261463.2); c.2855A>C, p.Gln952Pro (NM_001322945.2); c.2858A>C, p.Gln953Pro (NM_006175.5); c.2963A>C (NM_198060.3); short protein forms Q988P, Q953P, Q952P.
Identifiers: ClinVar variation 710939 (VCV000710939.31), dbSNP rs150955833, ClinGen allele CA5694991.

ClinVar aggregate classification (germline): Conflicting classifications of pathogenicity. Review status: criteria provided, conflicting classifications (1 of 4 stars). 6 submissions from 6 submitters: Uncertain significance (2); Likely benign (3). 1 of the submissions does not count toward it. Last evaluated 2025-04-09.

Conditions:
NRAP-related disorder. Also called: NRAP-related condition.
Cardiovascular phenotype. Identifiers: MedGen CN230736.

Allele frequency attached by ClinVar (database versions not stated): 1000 Genomes Project 30x 0.00031; 1000 Genomes Project 0.00040; ExAC 0.00170; TOPMed 0.00170; gnomAD 0.00177 and 0.00178; gnomAD exomes 0.00179 and 0.00304; ESP Exome Variant Server 0.00323.
gnomAD v4.1: 4,591 of 1,586,524 alleles (0.29%); highest among the groups gnomAD compares: Non-Finnish European, 0.36%; 14 homozygotes.

Submissions (6):

Molecular Diagnostic Laboratory for Inherited Cardiovascular Disease, Montreal Heart Institute
Classification: Uncertain significance for Cardiovascular phenotype. Last evaluated: 2025-04-09. Review status: criteria provided, single submitter. Criteria: ACMG Guidelines, 2015. Collection method: clinical testing. Allele origin: germline. Affected: yes.
Comment: PP3

Blueprint Genetics
Classification: Likely benign. Last evaluated: 2024-11-26. Review status: criteria provided, single submitter. Criteria: ACMG Guidelines, 2015. Collection method: clinical testing. Allele origin: germline.

CeGaT Center for Human Genetics Tuebingen
Classification: Likely benign. Last evaluated: 2023-04-01. Review status: criteria provided, single submitter. Criteria: CeGaT Center For Human Genetics Tuebingen Variant Classification Criteria Version 2. Collection method: clinical testing. Allele origin: germline. Affected: yes. Observed: 1 variant allele.
Comment: NRAP: BS2

GeneDx
Classification: Uncertain significance. Last evaluated: 2022-05-31. Review status: criteria provided, single submitter. Criteria: GeneDx Variant Classification Process June 2021. Collection method: clinical testing. Allele origin: germline. Affected: yes.
Comment: Reported in a patient in published literature with dilated cardiomyopathy who also harbored a start-loss variant, but it is not known whether the variants occurred on the same (in cis) or on different (in trans) chromosomes; this variant was also reported heterozygous in multiple individuals referred for testing for various indications, but no further information was provided on these individuals (Koskenvuo et al., 2021); In silico analysis supports that this missense variant has a deleterious effect on protein structure/function; This variant is associated with the following publications: (PMID: 33534821)

Labcorp Genetics (formerly Invitae), Labcorp
Classification: Likely benign. Last evaluated: 2018-02-05. Review status: criteria provided, single submitter. Criteria: Invitae Variant Classification Sherloc (09022015). Collection method: clinical testing. Allele origin: germline.

PreventionGenetics, part of Exact Sciences
Classification: Likely benign for NRAP-related condition. Last evaluated: 2024-09-09. Review status: no assertion criteria provided. Collection method: clinical testing. Allele origin: germline. Not counted in ClinVar's aggregate classification.
Comment: This variant is classified as likely benign based on ACMG/AMP sequence variant interpretation guidelines (Richards et al. 2015 PMID: 25741868, with internal and published modifications).